The following is an entry in ClinVar:

ClinVar aggregate classification (germline): Benign (1 of 4 stars; one submission).

Allele frequency attached by ClinVar (database versions not stated): 1000 Genomes Project 30x 0.01577; gnomAD 0.01602 and 0.01718; 1000 Genomes Project 0.01378; TOPMed 0.01761.
gnomAD v4.1: 2,407 of 152,318 alleles (1.6%); highest among the groups gnomAD compares: African/African-American, 5.6%; 79 homozygotes.

Submission:

GeneDx
Classification: Benign. Last evaluated: 2018-06-19. Review status: criteria provided, single submitter. Criteria: GeneDx Variant Classification (06012015). Collection method: clinical testing. Allele origin: germline. Affected: yes.
Comment: This variant is considered likely benign or benign based on one or more of the following criteria: it is a conservative change, it occurs at a poorly conserved position in the protein, it is predicted to be benign by multiple in silico algorithms, and/or has population frequency not consistent with disease.

NM_007078.2(LDB3):c.-402G>A

Gene: LDB3 (LIM domain binding 3; plus strand). Cytogenetic location: 10q23.2.
Variant type: single nucleotide variant.
Coding change: c.-402G>A on transcript NM_007078.2; 402 bases upstream of the start codon, G replaced by A.
Molecular consequence: intron variant (on NM_001368064.1).
Genome position (GRCh38, 1-based): chr10:86,668,290, G>A. VCF-style: chr10-86668290-G-A. GRCh37 (hg19) VCF-style: chr10-88428047-G-A.
Other names: c.-23-379G>A (NM_001368064.1, NM_001368063.1, NM_001368068.1).
Identifiers: ClinVar variation 674112 (VCV000674112.3), dbSNP rs35777670, ClinGen allele CA13294401.
Genomic context (GRCh38, chr10:86,668,290, plus strand): 5'-AGAGGATGGGTACCACTGGGCAGGAAGAGCGAGTGTCTACGCTCTCCAGAGGACACAGGA[G>A]CAAGGAGACCAGAGCATTCTCACCAACCAGGCCAGTTCCCCTTCCTCCCCCCTGGGGGGT-3'